The following is an entry in ClinVar:

ClinVar aggregate classification (germline): Pathogenic (1 of 4 stars; one submission).

Conditions:
Hereditary nonpolyposis colorectal neoplasms. Identifiers: MedGen C0009405, MeSH D003123.

Submission:

Labcorp Genetics (formerly Invitae), Labcorp
Classification: Pathogenic for Hereditary nonpolyposis colorectal neoplasms. Last evaluated: 2020-11-13. Review status: criteria provided, single submitter. Criteria: Invitae Variant Classification Sherloc (09022015). Collection method: clinical testing. Allele origin: germline.
Comment: This sequence change creates a premature translational stop signal (p.Thr1225Argfs*3) in the MSH6 gene. It is expected to result in an absent or disrupted protein product. Loss-of-function variants in MSH6 are known to be pathogenic (PMID: 18269114, 24362816). This variant is not present in population databases (ExAC no frequency). This variant has not been reported in the literature in individuals with MSH6-related conditions. For these reasons, this variant has been classified as Pathogenic.

Literature cited by the submitters: PubMed 18269114; PubMed 24362816.

NM_000179.3(MSH6):c.3672del (p.Thr1225fs)

Gene: MSH6 (mutS homolog 6; plus strand). Cytogenetic location: 2p16.3.
Variant type: Deletion.
Coding change: c.3672del on transcript NM_000179.3 (MANE Select); coding-DNA position 3672, one base deleted (G; older notation c.3672delG).
Protein change: p.Thr1225fs; shifts the reading frame from threonine 1225.
Molecular consequence: frameshift variant.
Genome position (GRCh38, 1-based): chr2:47,806,229, G deleted; the last of 3 consecutive G bases (chr2:47,806,227-47,806,229); deleting any one gives the same sequence. VCF-style (leftmost placement, unchanged base first): chr2-47806226-TG-T. GRCh37 (hg19) VCF-style: chr2-48033365-TG-T.
Other names: c.3282del, p.Thr1095fs (NM_001281492.2); c.2766del, p.Thr923fs (NM_001281493.2, NM_001281494.2); short protein forms T1095fs, T923fs, T1225fs.
Identifiers: ClinVar variation 1458831 (VCV001458831.6), dbSNP rs2104537929, ClinGen allele CA2573134759.
Genomic context (GRCh38, chr2:47,806,226, plus strand): 5'-CTTTGAGTTACTTCCTTATGCATATTTTACTTTAACAGGAAGAGGTACTGCAACATTTGA[TG>T]GGACGGCAATAGCAAATGCAGTTGTTAAAGAACTTGCTGAGACTATAAAATGTCGTACAT-3'